The following is an entry in ClinVar:

NM_000094.4(COL7A1):c.3115G>C (p.Glu1039Gln)

Gene: COL7A1 (collagen type VII alpha 1 chain; minus strand). Cytogenetic location: 3p21.31.
Variant type: single nucleotide variant.
Coding change: c.3115G>C on transcript NM_000094.4 (MANE Select); coding-DNA position 3115, G replaced by C.
Protein change: p.Glu1039Gln; replaces glutamic acid 1039 with glutamine.
Molecular consequence: missense variant.
Genome position (GRCh38, 1-based): chr3:48,587,214, C>G on the plus strand (G>C on the coding strand, the complement: COL7A1 is on the minus strand). VCF-style: chr3-48587214-C-G. GRCh37 (hg19) VCF-style: chr3-48624647-C-G.
Other names: short protein forms E1039Q.
Identifiers: ClinVar variation 1515593 (VCV001515593.6), dbSNP rs776932495, ClinGen allele CA352711991.

ClinVar aggregate classification (germline): Uncertain significance (1 of 4 stars; one submission).

Submission:

Labcorp Genetics (formerly Invitae), Labcorp
Classification: Uncertain significance. Last evaluated: 2023-04-06. Review status: criteria provided, single submitter. Criteria: Invitae Variant Classification Sherloc (09022015). Collection method: clinical testing. Allele origin: germline.
Comment: This sequence change replaces glutamic acid, which is acidic and polar, with glutamine, which is neutral and polar, at codon 1039 of the COL7A1 protein (p.Glu1039Gln). This variant is not present in population databases (gnomAD no frequency). This variant has not been reported in the literature in individuals affected with COL7A1-related conditions. ClinVar contains an entry for this variant (Variation ID: 1515593). Advanced modeling of protein sequence and biophysical properties (such as structural, functional, and spatial information, amino acid conservation, physicochemical variation, residue mobility, and thermodynamic stability) performed at Invitae indicates that this missense variant is not expected to disrupt COL7A1 protein function. In summary, the available evidence is currently insufficient to determine the role of this variant in disease. Therefore, it has been classified as a Variant of Uncertain Significance.